The following is an entry in ClinVar:

ClinVar aggregate classification (germline): Benign. Review status: criteria provided, single submitter (1 of 4 stars). 2 submissions from 2 submitters: Benign (1). 1 of the submissions does not count toward it. Last evaluated 2026-01-12.

Conditions:
MRAP2-related disorder. Also called: MRAP2-related condition.

Submissions (2):

Labcorp Genetics (formerly Invitae), Labcorp
Classification: Benign. Last evaluated: 2026-01-12. Review status: criteria provided, single submitter. Criteria: Invitae Variant Classification Sherloc (09022015). Collection method: clinical testing. Allele origin: germline.

PreventionGenetics, part of Exact Sciences
Classification: Likely benign for MRAP2-related condition. Last evaluated: 2021-07-23. Review status: no assertion criteria provided. Collection method: clinical testing. Allele origin: germline. Not counted in ClinVar's aggregate classification.
Comment: This variant is classified as likely benign based on ACMG/AMP sequence variant interpretation guidelines (Richards et al. 2015 PMID: 25741868, with internal and published modifications).

NM_138409.4(MRAP2):c.228-7del

Gene: MRAP2 (melanocortin 2 receptor accessory protein 2; plus strand). Cytogenetic location: 6q14.2.
Variant type: Deletion.
Coding change: c.228-7del on transcript NM_138409.4 (MANE Select); 7 bases into the intron before coding-DNA position 228, one base deleted (T; older notation c.228-7delT).
Molecular consequence: intron variant.
Genome position (GRCh38, 1-based): chr6:84,089,084, T deleted; the last of 7 consecutive T bases (chr6:84,089,078-84,089,084); deleting any one gives the same sequence. VCF-style (leftmost placement, unchanged base first): chr6-84089077-CT-C. GRCh37 (hg19) VCF-style: chr6-84798796-CT-C.
Other names: c.228-7delT (NM_138409.3); c.228-7del (NM_001346542.2, NM_001346544.2); c.63-7del (NM_001346543.2); c.-31-7del (NM_001346541.2).
Identifiers: ClinVar variation 1991393 (VCV001991393.6), dbSNP rs747117191, ClinGen allele CA3909615.